The following is an entry in ClinVar:

NC_000022.11:g.(?_31760636)_(31760722_?)del

Gene: DEPDC5 (DEP domain containing 5, GATOR1 subcomplex subunit; plus strand). Cytogenetic location: 22q12.2.
Variant type: Deletion.
Identifiers: ClinVar variation 833301 (VCV000833301.5).

ClinVar aggregate classification (germline): Pathogenic (1 of 4 stars; one submission).

Conditions:
Familial focal epilepsy with variable foci (FPEVF). Identifiers: Orphanet 98820, MedGen C1858477, MONDO:0020310.

Submission:

Labcorp Genetics (formerly Invitae), Labcorp
Classification: Pathogenic for Familial focal epilepsy with variable foci. Last evaluated: 2019-09-24. Review status: criteria provided, single submitter. Criteria: Invitae Variant Classification Sherloc (09022015). Collection method: clinical testing. Allele origin: germline.
Comment: For these reasons, this variant has been classified as Pathogenic. Loss-of-function variants in DEPDC5 are known to be pathogenic (PMID: 23542697, 23542701). This variant has not been reported in the literature in individuals with DEPDC5-related conditions. This variant is an out-of-frame deletion of the genomic region encompassing exon 4 of the DEPDC5 gene. This is expected to create a premature translational stop signal and result in an absent or disrupted protein product.

Literature cited by the submitters: PubMed 23542697; PubMed 23542701.